The following is an entry in ClinVar:

ClinVar aggregate classification (germline): Uncertain significance (1 of 4 stars; one submission).

Conditions:
Hereditary cancer-predisposing syndrome. Also called: Hereditary Cancer Syndrome; Hereditary neoplastic syndrome; Neoplastic Syndromes, Hereditary; Tumor predisposition. Identifiers: Orphanet 140162, MedGen C0027672, MeSH D009386, MONDO:0015356.

Allele frequency attached by ClinVar (database versions not stated): gnomAD exomes below 0.00001.
gnomAD v4.1: 1 of 1,613,238 alleles (0.000062%); highest among the groups gnomAD compares: East Asian, 0.0022%; no homozygotes.

Submission:

Labcorp Genetics (formerly Invitae), Labcorp
Classification: Uncertain significance for Hereditary cancer-predisposing syndrome. Last evaluated: 2025-03-31. Review status: criteria provided, single submitter. Criteria: Invitae Variant Classification Sherloc (09022015). Collection method: clinical testing. Allele origin: germline.
Comment: This sequence change replaces valine, which is neutral and non-polar, with alanine, which is neutral and non-polar, at codon 1250 of the RAD50 protein (p.Val1250Ala). This variant is not present in population databases (gnomAD no frequency). This variant has not been reported in the literature in individuals affected with RAD50-related conditions. ClinVar contains an entry for this variant (Variation ID: 408400). Invitae Evidence Modeling of protein sequence and biophysical properties (such as structural, functional, and spatial information, amino acid conservation, physicochemical variation, residue mobility, and thermodynamic stability) indicates that this missense variant is not expected to disrupt RAD50 protein function with a negative predictive value of 80%. In summary, the available evidence is currently insufficient to determine the role of this variant in disease. Therefore, it has been classified as a Variant of Uncertain Significance.

NM_005732.4(RAD50):c.3749T>C (p.Val1250Ala)

Genes: RAD50 (RAD50 double strand break repair protein; plus strand), TH2-LCR (Th2 cytokine locus control region; plus strand), TH2LCRR (T helper type 2 locus control region associated RNA; minus strand). Cytogenetic location: 5q31.1.
Variant type: single nucleotide variant.
Coding change: c.3749T>C on transcript NM_005732.4 (MANE Select); coding-DNA position 3749, T replaced by C.
Protein change: p.Val1250Ala; replaces valine 1250 with alanine.
Molecular consequence: missense variant.
Genome position (GRCh38, 1-based): chr5:132,640,802, T>C. VCF-style: chr5-132640802-T-C. GRCh37 (hg19) VCF-style: chr5-131976494-T-C.
Other names: short protein forms V1250A.
Identifiers: ClinVar variation 408400 (VCV000408400.11), dbSNP rs1060501965, ClinGen allele CA16611997.